The following is an entry in ClinVar:

NM_000393.5(COL5A2):c.3863C>T (p.Ser1288Leu)

Gene: COL5A2 (collagen type V alpha 2 chain; minus strand). Cytogenetic location: 2q32.2.
Variant type: single nucleotide variant.
Coding change: c.3863C>T on transcript NM_000393.5 (MANE Select); coding-DNA position 3863, C replaced by T.
Protein change: p.Ser1288Leu; replaces serine 1288 with leucine.
Molecular consequence: missense variant.
Genome position (GRCh38, 1-based): chr2:189,039,334, G>A on the plus strand (C>T on the coding strand, the complement: COL5A2 is on the minus strand). VCF-style: chr2-189039334-G-A. GRCh37 (hg19) VCF-style: chr2-189904060-G-A.
Other names: short protein forms S1288L.
Identifiers: ClinVar variation 3495579 (VCV003495579.1).

ClinVar aggregate classification (germline): Uncertain significance (1 of 4 stars; one submission).

Conditions:
Familial thoracic aortic aneurysm and aortic dissection (TAAD). Also called: Thoracic aortic aneurysms and dissections. Identifiers: Orphanet 91387, MedGen C4707243, MONDO:0019625.

gnomAD v4.1: 5 of 1,613,914 alleles (0.00031%); highest among the groups gnomAD compares: Non-Finnish European, 0.00034%; no homozygotes.

Submission:

Ambry Genetics
Classification: Uncertain significance for Familial thoracic aortic aneurysm and aortic dissection. Last evaluated: 2024-08-28. Review status: criteria provided, single submitter. Criteria: Ambry Variant Classification Scheme 2023. Collection method: clinical testing. Allele origin: germline.
Comment: The p.S1288L variant (also known as c.3863C>T), located in coding exon 51 of the COL5A2 gene, results from a C to T substitution at nucleotide position 3863. The serine at codon 1288 is replaced by leucine, an amino acid with dissimilar properties. This amino acid position is highly conserved in available vertebrate species. In addition, this alteration is predicted to be deleterious by in silico analysis. Based on the available evidence, the clinical significance of this variant remains unclear.